The following is an entry in ClinVar:

ClinVar aggregate classification (germline): Uncertain significance. Review status: criteria provided, multiple submitters, no conflicts (2 of 4 stars). 4 submissions from 4 submitters: Uncertain significance (4). Last evaluated 2024-10-15.

Conditions:
Xeroderma pigmentosum, group F (XPF). Also called: XERODERMA PIGMENTOSUM, COMPLEMENTATION GROUP F; XERODERMA PIGMENTOSUM VI; XP, GROUP F; ERCC4-Related Xeroderma Pigmentosum; XERODERMA PIGMENTOSUM, TYPE F; Xeroderma pigmentosum, type 6. Identifiers: MedGen C0268140, MONDO:0010215, OMIM 278760.
Cockayne syndrome. Identifiers: Orphanet 191, MedGen C0009207, MONDO:0016006.
Fanconi anemia complementation group Q. Identifiers: Orphanet 84, MedGen C3808988, MONDO:0014108, OMIM 615272.
XFE progeroid syndrome (XFEPS). Also called: XPF-ERCC1 PROGEROID SYNDROME. Identifiers: MedGen C1970416, MONDO:0012590, OMIM 610965.

Allele frequency attached by ClinVar (database versions not stated): gnomAD exomes 0.00003; ExAC 0.00004; TOPMed 0.00005; gnomAD 0.00006; ESP Exome Variant Server 0.00008.
gnomAD v4.1: 45 of 1,614,046 alleles (0.0028%); highest among the groups gnomAD compares: Non-Finnish European, 0.0036%; no homozygotes.

Submissions (4):

Labcorp Genetics (formerly Invitae), Labcorp
Classification: Uncertain significance for Fanconi anemia complementation group Q; Xeroderma pigmentosum, group F; Cockayne syndrome. Last evaluated: 2024-10-15. Review status: criteria provided, single submitter. Criteria: Invitae Variant Classification Sherloc (09022015). Collection method: clinical testing. Allele origin: germline.
Comment: This sequence change replaces arginine, which is basic and polar, with cysteine, which is neutral and slightly polar, at codon 740 of the ERCC4 protein (p.Arg740Cys). This variant is present in population databases (rs376688194, gnomAD 0.006%). This variant has not been reported in the literature in individuals affected with ERCC4-related conditions. ClinVar contains an entry for this variant (Variation ID: 425096). Invitae Evidence Modeling of protein sequence and biophysical properties (such as structural, functional, and spatial information, amino acid conservation, physicochemical variation, residue mobility, and thermodynamic stability) indicates that this missense variant is expected to disrupt ERCC4 protein function with a positive predictive value of 80%. In summary, the available evidence is currently insufficient to determine the role of this variant in disease. Therefore, it has been classified as a Variant of Uncertain Significance.

Blueprint Genetics
Classification: Uncertain significance. Last evaluated: 2023-05-05. Review status: criteria provided, single submitter. Criteria: ACMG Guidelines, 2015. Collection method: clinical testing. Allele origin: germline.

Fulgent Genetics
Classification: Uncertain significance for Xeroderma pigmentosum, group F; XFE progeroid syndrome; Fanconi anemia complementation group Q. Last evaluated: 2022-02-04. Review status: criteria provided, single submitter. Criteria: ACMG Guidelines, 2015. Collection method: clinical testing. Allele origin: unknown.

CeGaT Center for Human Genetics Tuebingen
Classification: Uncertain significance. Last evaluated: 2016-11-01. Review status: criteria provided, single submitter. Criteria: CeGaT Center For Human Genetics Tuebingen Variant Classification Criteria Version 2. Collection method: clinical testing. Allele origin: germline. Affected: yes. Observed: 1 variant allele.

NM_005236.3(ERCC4):c.2218C>T (p.Arg740Cys)

Gene: ERCC4 (ERCC excision repair 4, endonuclease catalytic subunit; plus strand). Cytogenetic location: 16p13.12.
Variant type: single nucleotide variant.
Coding change: c.2218C>T on transcript NM_005236.3 (MANE Select); coding-DNA position 2218, C replaced by T.
Protein change: p.Arg740Cys; replaces arginine 740 with cysteine.
Molecular consequence: missense variant.
Genome position (GRCh38, 1-based): chr16:13,947,814, C>T. VCF-style: chr16-13947814-C-T. GRCh37 (hg19) VCF-style: chr16-14041671-C-T.
Other names: short protein forms R740C.
Identifiers: ClinVar variation 425096 (VCV000425096.50), dbSNP rs376688194, ClinGen allele CA7910705.
Genomic context (GRCh38, chr16:13,947,814, plus strand): 5'-CCAGAAATGTGCGTGGAGCGCAAGAGTATCAGTGATTTAATCGGCTCTTTAAATAACGGC[C>T]GCCTCTACAGCCAGTGCATCTCCATGTCCCGCTACTACAAGCGTCCCGTGCTTCTGATTG-3'
Protein context (NP_005227.1, residues 730-750): SDLIGSLNNG[Arg740Cys]LYSQCISMSR